The following is an entry in ClinVar:

NM_001572.5(IRF7):c.219C>G (p.Ser73Arg)

Gene: IRF7 (interferon regulatory factor 7; minus strand). Cytogenetic location: 11p15.5.
Variant type: single nucleotide variant.
Coding change: c.219C>G on transcript NM_001572.5 (MANE Select); coding-DNA position 219, C replaced by G.
Protein change: p.Ser73Arg; replaces serine 73 with arginine.
Molecular consequence: missense variant.
Genome position (GRCh38, 1-based): chr11:614,972, G>C on the plus strand (C>G on the coding strand, the complement: IRF7 is on the minus strand). VCF-style: chr11-614972-G-C. GRCh37 (hg19) VCF-style: chr11-614972-G-C.
Other names: c.219C>G, p.Ser73Arg (NM_004029.4); c.258C>G, p.Ser86Arg (NM_004031.4); short protein forms S73R, S86R.
Identifiers: ClinVar variation 1494732 (VCV001494732.8), dbSNP rs926854541, ClinGen allele CA216913168.
Genomic context (GRCh38, chr11:614,972, plus strand): 5'-GGTTTTCCAGCCGGCGCGCTCCGCAGTCTCAGCCTCGGGGGGCGGGCCACCTCCCCTGCT[G>C]CTAGGCGGCCACCTGCCGCGGGCCACAGCCCAGGCCTGAAGAGGGGGACAGAACACGTGT-3'
Protein context (NP_001563.2, residues 63-83): WAVARGRWPP[Ser73Arg]SRGGGPPPEA

ClinVar aggregate classification (germline): Uncertain significance (1 of 4 stars; one submission).

Conditions:
Immunodeficiency 39 (IMD39). Identifiers: Orphanet 574918, MedGen C4225358, MONDO:0014597, OMIM 616345.

Allele frequency attached by ClinVar (database versions not stated): gnomAD exomes below 0.00001.
gnomAD v4.1: 3 of 1,553,454 alleles (0.00019%); highest among the groups gnomAD compares: South Asian, 0.0036%; no homozygotes.

Submission:

Labcorp Genetics (formerly Invitae), Labcorp
Classification: Uncertain significance for Immunodeficiency 39. Last evaluated: 2020-12-18. Review status: criteria provided, single submitter. Criteria: Invitae Variant Classification Sherloc (09022015). Collection method: clinical testing. Allele origin: germline.
Comment: Algorithms developed to predict the effect of missense changes on protein structure and function output the following: SIFT: "Deleterious"; PolyPhen-2: "Benign"; Align-GVGD: "Class C0". The arginine amino acid residue is found in multiple mammalian species, suggesting that this missense change does not adversely affect protein function. These predictions have not been confirmed by published functional studies and their clinical significance is uncertain. This sequence change replaces serine with arginine at codon 86 of the IRF7 protein (p.Ser86Arg). The serine residue is moderately conserved and there is a moderate physicochemical difference between serine and arginine. This variant is not present in population databases (ExAC no frequency). This variant has not been reported in the literature in individuals with IRF7-related conditions. In summary, the available evidence is currently insufficient to determine the role of this variant in disease. Therefore, it has been classified as a Variant of Uncertain Significance.